The following is an entry in ClinVar:

NM_000268.4(NF2):c.275T>C (p.Val92Ala)

Gene: NF2 (NF2, moesin-ezrin-radixin like (MERLIN) tumor suppressor; plus strand). Cytogenetic location: 22q12.2.
Variant type: single nucleotide variant.
Coding change: c.275T>C on transcript NM_000268.4 (MANE Select); coding-DNA position 275, T replaced by C.
Protein change: p.Val92Ala; replaces valine 92 with alanine.
Molecular consequence: missense variant. On other transcripts: 5 prime UTR variant (1), intron variant (8).
Genome position (GRCh38, 1-based): chr22:29,639,124, T>C. VCF-style: chr22-29639124-T-C. GRCh37 (hg19) VCF-style: chr22-30035113-T-C.
Other names: c.161T>C, p.Val54Ala (NM_001407053.1, NM_001407056.1); c.149T>C, p.Val50Ala (NM_001407055.1, NM_181828.3); c.275T>C, p.Val92Ala (NM_001407057.1, NM_001407059.1, NM_001407060.1 and 5 more transcripts); c.-366T>C (NM_001407065.1); c.44T>C, p.Val15Ala (NM_001407067.1); c.240+2248T>C (NM_001407058.1, NM_181829.3, NM_001407054.1 and 1 more transcripts); c.115-3078T>C (NM_001407063.1, NM_181830.3, NM_001407064.1 and 1 more transcripts); short protein forms V15A, V50A, V54A, V92A.
Identifiers: ClinVar variation 2901896 (VCV002901896.3), dbSNP rs2518436308, ClinGen allele CA411153146.

ClinVar aggregate classification (germline): Uncertain significance (1 of 4 stars; one submission).

Conditions:
Neurofibromatosis, type 2 (SWNV). Also called: NF2-Related Schwannomatosis; BILATERAL ACOUSTIC NEUROFIBROMATOSIS; SCHWANNOMATOSIS, VESTIBULAR. Identifiers: Orphanet 637, MedGen C0027832, MONDO:0007039, OMIM 101000. Disease mechanism: loss of function.

Submission:

Labcorp Genetics (formerly Invitae), Labcorp
Classification: Uncertain significance for Neurofibromatosis, type 2. Last evaluated: 2023-10-12. Review status: criteria provided, single submitter. Criteria: Invitae Variant Classification Sherloc (09022015). Collection method: clinical testing. Allele origin: germline.
Comment: This sequence change replaces valine, which is neutral and non-polar, with alanine, which is neutral and non-polar, at codon 92 of the NF2 protein (p.Val92Ala). This variant is not present in population databases (gnomAD no frequency). This variant has not been reported in the literature in individuals affected with NF2-related conditions. Advanced modeling of protein sequence and biophysical properties (such as structural, functional, and spatial information, amino acid conservation, physicochemical variation, residue mobility, and thermodynamic stability) performed at Invitae indicates that this missense variant is not expected to disrupt NF2 protein function. In summary, the available evidence is currently insufficient to determine the role of this variant in disease. Therefore, it has been classified as a Variant of Uncertain Significance.